The following is an entry in ClinVar:

ClinVar aggregate classification (germline): Uncertain significance (1 of 4 stars; one submission).

Submission:

Women's Health and Genetics/Laboratory Corporation of America, LabCorp
Classification: Uncertain significance. Last evaluated: 2024-12-02. Review status: criteria provided, single submitter. Criteria: LabCorp Variant Classification Summary - May 2015. Collection method: clinical testing. Allele origin: germline.
Comment: Variant summary: FAH c.943T>C (p.Cys315Arg) results in a non-conservative amino acid change located in the fumarylacetoacetate (FAA) hydrolase family domain (IPR011234) of the encoded protein sequence. Five of five in-silico tools predict a damaging effect of the variant on protein function. The variant was absent in 251478 control chromosomes. The available data on variant occurrences in the general population are insufficient to allow any conclusion about variant significance. c.943T>C has been reported in the literature in an individual affected with Tyrosinemia Type 1 (e.g, Zhang_2023). These data do not allow any conclusion about variant significance. To our knowledge, no experimental evidence demonstrating an impact on protein function has been reported. The following publication has been ascertained in the context of this evaluation (PMID: 36709935). No submitters have cited clinical-significance assessments for this variant to ClinVar. Based on the evidence outlined above, the variant was classified as uncertain significance.

Literature cited by the submitters: PubMed 36709935.

NM_000137.4(FAH):c.943T>C (p.Cys315Arg)

Gene: FAH (fumarylacetoacetate hydrolase; plus strand). Cytogenetic location: 15q25.1.
Variant type: single nucleotide variant.
Coding change: c.943T>C on transcript NM_000137.4 (MANE Select); coding-DNA position 943, T replaced by C.
Protein change: p.Cys315Arg; replaces cysteine 315 with arginine.
Molecular consequence: missense variant.
Genome position (GRCh38, 1-based): chr15:80,177,566, T>C. VCF-style: chr15-80177566-T-C. GRCh37 (hg19) VCF-style: chr15-80469908-T-C.
Other names: c.943T>C, p.Cys315Arg (NM_001374377.1, NM_001374380.1); short protein forms C315R.
Identifiers: ClinVar variation 3768350 (VCV003768350.1).